The following is an entry in ClinVar:

NM_001386974.1(KCNN1):c.765C>T (p.Ala255=)

Gene: KCNN1 (potassium calcium-activated channel subfamily N member 1; plus strand). Cytogenetic location: 19p13.11.
Variant type: single nucleotide variant.
Coding change: c.765C>T on transcript NM_001386974.1 (MANE Select); coding-DNA position 765, C replaced by T.
Protein change: p.Ala255=; no amino-acid change (alanine 255 retained).
Molecular consequence: synonymous variant. On other transcripts: non-coding transcript variant (2).
Genome position (GRCh38, 1-based): chr19:17,981,975, C>T. VCF-style: chr19-17981975-C-T. GRCh37 (hg19) VCF-style: chr19-18092784-C-T.
Other names: c.765C>T, p.Ala255= (NM_001386975.1, NM_001386976.1, NM_001386977.1 and 1 more transcripts).
Identifiers: ClinVar variation 2649559 (VCV002649559.24), dbSNP rs74940055, ClinGen allele CA9303771.
Genomic context (GRCh38, chr19:17,981,975, plus strand): 5'-CCTGCGCCTCTACCTGCTGGGCCGGGTGATGCTACTGCACAGCAAAATCTTCACGGACGC[C>T]TCGAGCCGCAGCATCGGGGCCCTCAACAAGATCACCTTCAACACGCGCTTCGTCATGAAG-3'
Protein context (NP_001373903.1, residues 245-265): MLLHSKIFTD[Ala255=]SSRSIGALNK

ClinVar aggregate classification (germline): Likely benign (1 of 4 stars; one submission).

Allele frequency attached by ClinVar (database versions not stated): 1000 Genomes Project 30x 0.00078; 1000 Genomes Project 0.00120; TOPMed 0.00223; gnomAD 0.00243; ExAC 0.00264; ESP Exome Variant Server 0.00285; gnomAD exomes 0.00378.
gnomAD v4.1: 5,783 of 1,607,894 alleles (0.36%); highest among the groups gnomAD compares: Non-Finnish European, 0.46%; 22 homozygotes.

Submission:

CeGaT Center for Human Genetics Tuebingen
Classification: Likely benign. Last evaluated: 2022-12-01. Review status: criteria provided, single submitter. Criteria: CeGaT Center For Human Genetics Tuebingen Variant Classification Criteria Version 2. Collection method: clinical testing. Allele origin: germline. Affected: yes. Observed: 1 variant allele.
Comment: KCNN1: BP4, BP7, BS2